The following is an entry in ClinVar:

ClinVar aggregate classification (germline): Pathogenic/Likely pathogenic. Review status: criteria provided, multiple submitters, no conflicts (2 of 4 stars). 4 submissions from 4 submitters: Pathogenic (2); Likely pathogenic (1). 1 of the submissions does not count toward it. Last evaluated 2023-07-14.

Conditions:
Niemann-Pick disease, type C1. Also called: NEUROVISCERAL STORAGE DISEASE WITH VERTICAL SUPRANUCLEAR OPHTHALMOPLEGIA; NIEMANN-PICK DISEASE WITH CHOLESTEROL ESTERIFICATION BLOCK; NIEMANN-PICK DISEASE WITHOUT SPHINGOMYELINASE DEFICIENCY; NIEMANN-PICK DISEASE, CHRONIC NEURONOPATHIC FORM; NIEMANN-PICK DISEASE, VARIANT TYPE C1. Identifiers: Orphanet 646, MedGen C3179455, MONDO:0009757, OMIM 257220.

Allele frequency attached by ClinVar (database versions not stated): ExAC 0.00001; gnomAD exomes 0.00001.
gnomAD v4.1: 6 of 1,613,946 alleles (0.00037%); highest among the groups gnomAD compares: Non-Finnish European, 0.00051%; no homozygotes.

Submissions (4):

Labcorp Genetics (formerly Invitae), Labcorp
Classification: Pathogenic for Niemann-Pick disease, type C1. Last evaluated: 2023-07-14. Review status: criteria provided, single submitter. Criteria: Invitae Variant Classification Sherloc (09022015). Collection method: clinical testing. Allele origin: germline.
Comment: For these reasons, this variant has been classified as Pathogenic. Studies have shown that this missense change alters NPC1 gene expression (PMID: 23430855). Advanced modeling of protein sequence and biophysical properties (such as structural, functional, and spatial information, amino acid conservation, physicochemical variation, residue mobility, and thermodynamic stability) performed at Invitae indicates that this missense variant is expected to disrupt NPC1 protein function. ClinVar contains an entry for this variant (Variation ID: 371419). This missense change has been observed in individual(s) with Niemann-Pick type C (PMID: 32138288). This variant is present in population databases (rs781261962, gnomAD 0.002%). This sequence change replaces tyrosine, which is neutral and polar, with cysteine, which is neutral and slightly polar, at codon 1019 of the NPC1 protein (p.Tyr1019Cys).

Foundation for Research in Genetics and Endocrinology, FRIGE's Institute of Human Genetics
Classification: Pathogenic for Niemann-Pick disease, type C1. Last evaluated: 2022-04-12. Review status: criteria provided, single submitter. Criteria: ACMG Guidelines, 2015. Collection method: clinical testing. Allele origin: germline. Inheritance: Autosomal recessive inheritance. Affected: yes. Observed: 1 homozygote.
Comment: A Homozygous missense variation in exon 21 of the NPC1 gene that results in the amino acid substitution of Cystine for Tyrosine at codon 1019 was detected. The observed variant c.3056A>G (p.Tyr1019Cys) has not been reported in the 1000 genomes and has a MAF of 000796% in the gnomAD database. The in silico prediction of the variant is damaging by PolyPhen-2 (HumDiv), LRT and MutationTaster2. In summary, the variant meets our criteria to be classified as pathogenic.

Fulgent Genetics
Classification: Likely pathogenic for Niemann-Pick disease, type C1. Last evaluated: 2022-02-15. Review status: criteria provided, single submitter. Criteria: ACMG Guidelines, 2015. Collection method: clinical testing. Allele origin: unknown.

Counsyl
Classification: Likely pathogenic for Niemann-Pick disease, type C1. Last evaluated: 2016-09-22. Review status: no assertion criteria provided. Collection method: clinical testing. Allele origin: unknown. Not counted in ClinVar's aggregate classification.

Literature cited by the submitters: PubMed 23430855 (cited by Labcorp Genetics (formerly Invitae), Labcorp and Counsyl); PubMed 32138288 (cited by Labcorp Genetics (formerly Invitae), Labcorp); PubMed 19252935 (cited by Counsyl); PubMed 26981555 (cited by Counsyl).

NM_000271.5(NPC1):c.3056A>G (p.Tyr1019Cys)

Gene: NPC1 (NPC intracellular cholesterol transporter 1; minus strand). Cytogenetic location: 18q11.2.
Variant type: single nucleotide variant.
Coding change: c.3056A>G on transcript NM_000271.5 (MANE Select); coding-DNA position 3056, A replaced by G.
Protein change: p.Tyr1019Cys; replaces tyrosine 1019 with cysteine.
Molecular consequence: missense variant.
Genome position (GRCh38, 1-based): chr18:23,536,862, T>C on the plus strand (A>G on the coding strand, the complement: NPC1 is on the minus strand). VCF-style: chr18-23536862-T-C. GRCh37 (hg19) VCF-style: chr18-21116826-T-C.
Other names: p.Tyr1019Cys; short protein forms Y1019C.
Identifiers: ClinVar variation 371419 (VCV000371419.12), dbSNP rs781261962, ClinGen allele CA8912862.
Genomic context (GRCh38, chr18:23,536,862, plus strand): 5'-ATGAAGTACGTGGCTCCGACCCTGGTGCCATGGCCAAGGAGGATGTTAACTGCAGAACTA[T>C]AGGCAGCATGTCCCCTGAGGAAAGAATCCTGGGTGTCAAGAGAGTCCAGGTCTTGCAAAA-3'
Protein context (NP_000262.2, residues 1009-1029): PKCGKGGHAA[Tyr1019Cys]SSAVNILLGH